The following is an entry in ClinVar:

NM_000168.6(GLI3):c.3961G>A (p.Gly1321Arg)

Gene: GLI3 (GLI family zinc finger 3; minus strand). Cytogenetic location: 7p14.1.
Variant type: single nucleotide variant.
Coding change: c.3961G>A on transcript NM_000168.6 (MANE Select); coding-DNA position 3961, G replaced by A.
Protein change: p.Gly1321Arg; replaces glycine 1321 with arginine.
Molecular consequence: missense variant.
Genome position (GRCh38, 1-based): chr7:41,965,112, C>T on the plus strand (G>A on the coding strand, the complement: GLI3 is on the minus strand). VCF-style: chr7-41965112-C-T. GRCh37 (hg19) VCF-style: chr7-42004710-C-T.
Other names: short protein forms G1321R.
Identifiers: ClinVar variation 4788552 (VCV004788552.1).
Genomic context (GRCh38, chr7:41,965,112, plus strand): 5'-CGGGGCGGCCTGCCCCCGGGTGCTGCATGCTGTCGCCGAGGAGCTGGTGAGCCAGGTACC[C>T]CTGTCCCACTGGGTCCTGGTTCTGCATGCCATTCACCATGCTGCCAGCTGACTCATTTGG-3'
Protein context (NP_000159.3, residues 1311-1331): GMQNQDPVGQ[Gly1321Arg]YLAHQLLGDS

ClinVar aggregate classification (germline): Uncertain significance (1 of 4 stars; one submission).

Conditions:
Pallister-Hall syndrome (PHS). Also called: GLI3-Related Pallister-Hall Syndrome; HYPOTHALAMIC HAMARTOBLASTOMA, HYPOPITUITARISM, IMPERFORATE ANUS, AND POSTAXIAL POLYDACTYLY. Identifiers: Orphanet 672, MedGen C0265220, MONDO:0007804, OMIM 146510.
Greig cephalopolysyndactyly syndrome (GCPS). Also called: POLYSYNDACTYLY WITH PECULIAR SKULL SHAPE; Greig syndrome; GLI3-Related Greig Cephalopolysyndactyly Syndrome. Identifiers: Orphanet 380, MedGen C0265306, MONDO:0008287, OMIM 175700.

Submission:

Labcorp Genetics (formerly Invitae), Labcorp
Classification: Uncertain significance for Pallister-Hall syndrome; Greig cephalopolysyndactyly syndrome. Last evaluated: 2026-01-06. Review status: criteria provided, single submitter. Criteria: Invitae Variant Classification Sherloc (09022015). Collection method: clinical testing. Allele origin: germline.
Comment: This sequence change replaces glycine, which is neutral and non-polar, with arginine, which is basic and polar, at codon 1321 of the GLI3 protein (p.Gly1321Arg). This variant is not present in population databases (gnomAD no frequency). This variant has not been reported in the literature in individuals affected with GLI3-related conditions. Invitae Evidence Modeling of protein sequence and biophysical properties (such as structural, functional, and spatial information, amino acid conservation, physicochemical variation, residue mobility, and thermodynamic stability) indicates that this missense variant is not expected to disrupt GLI3 protein function with a negative predictive value of 95%. In summary, the available evidence is currently insufficient to determine the role of this variant in disease. Therefore, it has been classified as a Variant of Uncertain Significance.